The following is an entry in ClinVar:

ClinVar aggregate classification (germline): Likely benign. Review status: criteria provided, multiple submitters, no conflicts (2 of 4 stars). 7 submissions from 7 submitters: Likely benign (5). 2 of the submissions do not count toward it. Last evaluated 2025-01-26.

Conditions:
GLA-related disorder. Also called: GLA-related condition.
Cardiovascular phenotype. Identifiers: MedGen CN230736.
Fabry disease. Also called: HEREDITARY DYSTOPIC LIPIDOSIS; Ceramide trihexosidosis; Fabry's disease; Angiokeratoma corporis diffusum; ALPHA-GALACTOSIDASE A DEFICIENCY; ANDERSON-FABRY DISEASE. Identifiers: Orphanet 324, MedGen C0002986, MONDO:0010526, OMIM 301500, HP:0001071. Disease mechanism: Fabry disease is due to inactivating mutations in the X-linked GLA gene resulting in deficiency of the enzyme Alpha Galactosidase-A., loss of function.
Cardiomyopathy (CMYO). Also called: Cardiomyopathies. Identifiers: Orphanet 167848, MedGen C0878544, MONDO:0004994, HP:0001638. Inheritance: Various modes of inheritance.

Allele frequency attached by ClinVar (database versions not stated): gnomAD exomes below 0.00001 and 0.00001.
gnomAD v4.1: 6 of 1,204,001 alleles (0.0005%); highest among the groups gnomAD compares: Non-Finnish European, 0.00056%; no homozygotes.

Submissions (7):

Labcorp Genetics (formerly Invitae), Labcorp
Classification: Likely benign for Fabry disease. Last evaluated: 2025-01-26. Review status: criteria provided, single submitter. Criteria: Invitae Variant Classification Sherloc (09022015). Collection method: clinical testing. Allele origin: germline.

All of Us Research Program, National Institutes of Health
Classification: Likely benign for Fabry disease. Last evaluated: 2023-06-28. Review status: criteria provided, single submitter. Criteria: ACMG Guidelines, 2015. Collection method: clinical testing. Allele origin: germline. Inheritance: X-linked inheritance. Observed: 2 variant alleles, 1 heterozygote, 1 homozygote.
Comment: This study involves interpretation of variants in research participants for the purpose of population health screening. Participant phenotype was not available at the time of variant classification. Additional details can be found in publication PMID: 35346344, PMCID: PMC8962531

Ambry Genetics
Classification: Likely benign for Cardiovascular phenotype. Last evaluated: 2021-05-15. Review status: criteria provided, single submitter. Criteria: Ambry Variant Classification Scheme 2023. Collection method: clinical testing. Allele origin: germline.

Color Diagnostics, LLC DBA Color Health
Classification: Likely benign for Fabry disease. Last evaluated: 2020-01-29. Review status: criteria provided, single submitter. Criteria: ACMG Guidelines, 2015. Collection method: clinical testing. Allele origin: germline.

CHEO Genetics Diagnostic Laboratory, Children's Hospital of Eastern Ontario
Classification: Likely benign for Cardiomyopathy. Last evaluated: 2019-09-16. Review status: criteria provided, single submitter. Criteria: ACMG Guidelines, 2015. Collection method: clinical testing. Allele origin: germline.

PreventionGenetics, part of Exact Sciences
Classification: Likely benign for GLA-related condition. Last evaluated: 2022-11-04. Review status: no assertion criteria provided. Collection method: clinical testing. Allele origin: germline. Not counted in ClinVar's aggregate classification.
Comment: This variant is classified as likely benign based on ACMG/AMP sequence variant interpretation guidelines (Richards et al. 2015 PMID: 25741868, with internal and published modifications).

Natera, Inc.
Classification: Likely benign for Fabry disease. Last evaluated: 2020-04-11. Review status: no assertion criteria provided. Collection method: clinical testing. Allele origin: germline. Not counted in ClinVar's aggregate classification.

NM_000169.3(GLA):c.1207T>C (p.Leu403=)

Genes: GLA (galactosidase alpha; minus strand), RPL36A-HNRNPH2 (RPL36A-HNRNPH2 readthrough; plus strand). Cytogenetic location: Xq22.1.
Variant type: single nucleotide variant.
Coding change: c.1207T>C on transcript NM_000169.3 (MANE Select); coding-DNA position 1207, T replaced by C.
Protein change: p.Leu403=; no amino-acid change (leucine 403 retained).
Molecular consequence: synonymous variant. On other transcripts: non-coding transcript variant (3), intron variant (2).
Genome position (GRCh38, 1-based): chrX:101,397,892, A>G on the plus strand (T>C on the coding strand, the complement: GLA is on the minus strand). VCF-style: chrX-101397892-A-G. GRCh37 (hg19) VCF-style: chrX-100652880-A-G.
Other names: c.1330T>C, p.Leu444= (NM_001406747.1); c.300+2435A>G (NM_001199973.2); c.177+6070A>G (NM_001199974.2).
Identifiers: ClinVar variation 222160 (VCV000222160.21), dbSNP rs869312239, ClinGen allele CA352930.